The following is an entry in ClinVar:

NM_014795.4(ZEB2):c.798G>C (p.Gly266=)

Gene: ZEB2 (zinc finger E-box binding homeobox 2; minus strand). Cytogenetic location: 2q22.3.
Variant type: single nucleotide variant.
Coding change: c.798G>C on transcript NM_014795.4 (MANE Select); coding-DNA position 798, G replaced by C.
Protein change: p.Gly266=; no amino-acid change (glycine 266 retained).
Molecular consequence: synonymous variant.
Genome position (GRCh38, 1-based): chr2:144,403,925, C>G on the plus strand (G>C on the coding strand, the complement: ZEB2 is on the minus strand). VCF-style: chr2-144403925-C-G. GRCh37 (hg19) VCF-style: chr2-145161492-C-G.
Other names: p.G266G:GGG>GGC; c.726G>C, p.Gly242= (NM_001171653.2).
Identifiers: ClinVar variation 137944 (VCV000137944.54), dbSNP rs34961586, ClinGen allele CA173953.
Genomic context (GRCh38, chr2:144,403,925, plus strand): 5'-TTTCTCTAAGGGGTTATTATAGAAAGAAATCACTTAAAACCATCCCCCCACCTGATCTGT[C>G]CCTGGCTTGTGTGTCACCATATGCCGCTCGAGCTGGGTGCGGTAGGCAAACGTGTAGCTA-3'
Protein context (NP_055610.1, residues 256-276): LERHMVTHKP[Gly266=]TDQHQMLTQG

ClinVar aggregate classification (germline): Benign/Likely benign. Review status: criteria provided, multiple submitters, no conflicts (2 of 4 stars). 8 submissions from 8 submitters: Benign (5); Likely benign (3). Last evaluated 2026-09-01.

Conditions:
Inborn genetic diseases. Identifiers: MedGen C0950123, MeSH D030342.
Mowat-Wilson syndrome (MOWS). Also called: Classic Mowat-Wilson Syndrome. Identifiers: Orphanet 2152, MedGen C1856113, MONDO:0009341, OMIM 235730.

Allele frequency attached by ClinVar (database versions not stated): ExAC 0.00048; gnomAD exomes 0.00058 and 0.00143; TOPMed 0.00070; gnomAD 0.00075 and 0.00078; ESP Exome Variant Server 0.00115.
gnomAD v4.1: 2,241 of 1,614,022 alleles (0.14%); highest among the groups gnomAD compares: Non-Finnish European, 0.18%; 4 homozygotes.

Submissions (8):

CeGaT Center for Human Genetics Tuebingen
Classification: Likely benign. Last evaluated: 2026-09-01. Review status: criteria provided, single submitter. Criteria: CeGaT Center For Human Genetics Tuebingen Variant Classification Criteria Version 2. Collection method: clinical testing. Allele origin: germline. Affected: yes. Observed: 18 variant alleles.
Comment: ZEB2: BP4, BS1

Labcorp Genetics (formerly Invitae), Labcorp
Classification: Benign for Mowat-Wilson syndrome. Last evaluated: 2026-01-09. Review status: criteria provided, single submitter. Criteria: Invitae Variant Classification Sherloc (09022015). Collection method: clinical testing. Allele origin: germline.

Blueprint Genetics
Classification: Likely benign. Last evaluated: 2024-11-12. Review status: criteria provided, single submitter. Criteria: ACMG Guidelines, 2015. Collection method: clinical testing. Allele origin: germline.

Genome-Nilou Lab
Classification: Benign for Mowat-Wilson syndrome. Last evaluated: 2021-11-07. Review status: criteria provided, single submitter. Criteria: ACMG Guidelines, 2015. Collection method: clinical testing. Allele origin: germline. Affected: no.

Ambry Genetics
Classification: Likely benign for Inborn genetic diseases. Last evaluated: 2016-08-16. Review status: criteria provided, single submitter. Criteria: Ambry Variant Classification Scheme 2023. Collection method: clinical testing. Allele origin: germline.

Eurofins Ntd Llc (ga)
Classification: Benign. Last evaluated: 2015-05-15. Review status: criteria provided, single submitter. Criteria: EGL Classification Definitions 2015. Collection method: clinical testing. Allele origin: germline. Observed: 3 variant alleles, 3 heterozygotes.

Genetic Services Laboratory, University of Chicago
Classification: Benign. Last evaluated: 2013-02-08. Review status: criteria provided, single submitter. Criteria: ACMG Guidelines, 2007. Collection method: clinical testing. Allele origin: germline. Inheritance: Autosomal dominant inheritance.

GeneDx
Classification: Benign. Last evaluated: 2013-01-22. Review status: criteria provided, single submitter. Criteria: GeneDx Variant Classification (06012015). Collection method: clinical testing. Allele origin: germline. Affected: yes.
Comment: This variant is considered likely benign or benign based on one or more of the following criteria: it is a conservative change, it occurs at a poorly conserved position in the protein, it is predicted to be benign by multiple in silico algorithms, and/or has population frequency not consistent with disease.